The following is an entry in ClinVar:

ClinVar aggregate classification (germline): Uncertain significance (1 of 4 stars; one submission).

gnomAD v4.1: 7 of 1,614,070 alleles (0.00043%); highest among the groups gnomAD compares: Non-Finnish European, 0.00059%; no homozygotes.

Submission:

Labcorp Genetics (formerly Invitae), Labcorp
Classification: Uncertain significance. Last evaluated: 2024-11-07. Review status: criteria provided, single submitter. Criteria: Invitae Variant Classification Sherloc (09022015). Collection method: clinical testing. Allele origin: germline.
Comment: This sequence change replaces alanine, which is neutral and non-polar, with threonine, which is neutral and polar, at codon 133 of the CCT2 protein (p.Ala133Thr). This variant is present in population databases (rs777024823, gnomAD 0.004%). This variant has not been reported in the literature in individuals affected with CCT2-related conditions. An algorithm developed to predict the effect of missense changes on protein structure and function (PolyPhen-2) suggests that this variant is likely to be disruptive. In summary, the available evidence is currently insufficient to determine the role of this variant in disease. Therefore, it has been classified as a Variant of Uncertain Significance.

NM_006431.3(CCT2):c.397G>A (p.Ala133Thr)

Gene: CCT2 (chaperonin containing TCP1 subunit 2; plus strand). Cytogenetic location: 12q15.
Variant type: single nucleotide variant.
Coding change: c.397G>A on transcript NM_006431.3 (MANE Select); coding-DNA position 397, G replaced by A.
Protein change: p.Ala133Thr; replaces alanine 133 with threonine.
Molecular consequence: missense variant.
Genome position (GRCh38, 1-based): chr12:69,588,213, G>A. VCF-style: chr12-69588213-G-A. GRCh37 (hg19) VCF-style: chr12-69981993-G-A.
Other names: c.256G>A, p.Ala86Thr (NM_001198842.2); short protein forms A133T, A86T.
Identifiers: ClinVar variation 3619484 (VCV003619484.2).